The following is an entry in ClinVar:

NM_001127644.2(GABRA1):c.1192A>G (p.Lys398Glu)

Gene: GABRA1 (gamma-aminobutyric acid type A receptor subunit alpha1; plus strand). Cytogenetic location: 5q34.
Variant type: single nucleotide variant.
Coding change: c.1192A>G on transcript NM_001127644.2 (MANE Select); coding-DNA position 1192, A replaced by G.
Protein change: p.Lys398Glu; replaces lysine 398 with glutamic acid.
Molecular consequence: missense variant.
Genome position (GRCh38, 1-based): chr5:161,897,243, A>G. VCF-style: chr5-161897243-A-G. GRCh37 (hg19) VCF-style: chr5-161324249-A-G.
Other names: c.1192A>G, p.Lys398Glu (NM_000806.5, NM_001127643.2, NM_001127645.2 and 1 more transcripts); short protein forms K398E.
Identifiers: ClinVar variation 944837 (VCV000944837.10), dbSNP rs1755409878, ClinGen allele CA362180851.

ClinVar aggregate classification (germline): Conflicting classifications of pathogenicity. Review status: criteria provided, conflicting classifications (1 of 4 stars). 2 submissions from 2 submitters: Uncertain significance (1); Benign (1). Last evaluated 2023-08-30.

Conditions:
Idiopathic generalized epilepsy. Also called: Generalised epilepsy; EIG. Identifiers: MedGen C0270850, MONDO:0005579, OMIM 600669.
Epilepsy, idiopathic generalized, susceptibility to, 13. Also called: EPILEPSY, JUVENILE MYOCLONIC, SUSCEPTIBILITY TO, 5. Identifiers: Orphanet 307, Orphanet 64280, MedGen C4013473, MONDO:0012627, OMIM 611136.
Epilepsy, childhood absence 4 (ECA4). Also called: EPILEPSY, CHILDHOOD ABSENCE, SUSCEPTIBILITY TO, 4. Identifiers: Orphanet 307, MedGen C1970160.
GABRA1-related disorder. Also called: GABRA1-related condition.

Allele frequency attached by ClinVar (database versions not stated): gnomAD exomes below 0.00001.
gnomAD v4.1: 1 of 1,614,142 alleles (0.000062%); highest among the groups gnomAD compares: Non-Finnish European, 0.000085%; no homozygotes.

Submissions (2):

Labcorp Genetics (formerly Invitae), Labcorp
Classification: Benign for Epilepsy, childhood absence 4; Epilepsy, idiopathic generalized, susceptibility to, 13; Idiopathic generalized epilepsy. Last evaluated: 2023-08-30. Review status: criteria provided, single submitter. Criteria: Invitae Variant Classification Sherloc (09022015). Collection method: clinical testing. Allele origin: germline.

PreventionGenetics, part of Exact Sciences
Classification: Uncertain significance for GABRA1-related condition. Last evaluated: 2022-10-19. Review status: criteria provided, single submitter. Criteria: ACMG Guidelines, 2015. Collection method: clinical testing. Allele origin: germline.
Comment: The GABRA1 c.1192A>G variant is predicted to result in the amino acid substitution p.Lys398Glu. To our knowledge, this variant has not been reported in the literature or in a large population database, indicating this variant is rare. At this time, the clinical significance of this variant is uncertain due to the absence of conclusive functional and genetic evidence.